The following is an entry in ClinVar:

NM_004260.4(RECQL4):c.1726G>T (p.Val576Leu)

Gene: RECQL4 (RecQ like helicase 4; minus strand). Cytogenetic location: 8q24.3.
Variant type: single nucleotide variant.
Coding change: c.1726G>T on transcript NM_004260.4 (MANE Select); coding-DNA position 1726, G replaced by T.
Protein change: p.Val576Leu; replaces valine 576 with leucine.
Molecular consequence: missense variant.
Genome position (GRCh38, 1-based): chr8:144,514,341, C>A on the plus strand (G>T on the coding strand, the complement: RECQL4 is on the minus strand). VCF-style: chr8-144514341-C-A. GRCh37 (hg19) VCF-style: chr8-145739725-C-A.
Other names: short protein forms V576L.
Identifiers: ClinVar variation 580327 (VCV000580327.6), dbSNP rs570331496, ClinGen allele CA372681211.

ClinVar aggregate classification (germline): Uncertain significance. Review status: criteria provided, multiple submitters, no conflicts (2 of 4 stars). 2 submissions from 2 submitters: Uncertain significance (2). Last evaluated 2025-08-20.

Conditions:
Inborn genetic diseases. Identifiers: MedGen C0950123, MeSH D030342.
Baller-Gerold syndrome (BGS). Also called: CRANIOSYNOSTOSIS WITH RADIAL DEFECTS. Identifiers: Orphanet 1225, MedGen C0265308, MONDO:0009039, OMIM 218600.

Submissions (2):

Ambry Genetics
Classification: Uncertain significance for Inborn genetic diseases. Last evaluated: 2025-08-20. Review status: criteria provided, single submitter. Criteria: Ambry Variant Classification Scheme 2023. Collection method: clinical testing. Allele origin: germline.
Comment: The p.V576L variant (also known as c.1726G>T), located in coding exon 11 of the RECQL4 gene, results from a G to T substitution at nucleotide position 1726. The valine at codon 576 is replaced by leucine, an amino acid with highly similar properties. This amino acid position is conserved. In addition, the in silico prediction for this alteration is inconclusive. Based on the available evidence, the clinical significance of this variant remains unclear.

Labcorp Genetics (formerly Invitae), Labcorp
Classification: Uncertain significance for Baller-Gerold syndrome. Last evaluated: 2020-07-12. Review status: criteria provided, single submitter. Criteria: Invitae Variant Classification Sherloc (09022015). Collection method: clinical testing. Allele origin: germline.
Comment: This sequence change replaces valine with leucine at codon 576 of the RECQL4 protein (p.Val576Leu). The valine residue is highly conserved and there is a small physicochemical difference between valine and leucine. In summary, the available evidence is currently insufficient to determine the role of this variant in disease. Therefore, it has been classified as a Variant of Uncertain Significance. Algorithms developed to predict the effect of missense changes on protein structure and function output the following: SIFT: "Tolerated"; PolyPhen-2: "Benign"; Align-GVGD: "Class C0". The leucine amino acid residue is found in multiple mammalian species, suggesting that this missense change does not adversely affect protein function. These predictions have not been confirmed by published functional studies and their clinical significance is uncertain. This variant has not been reported in the literature in individuals with RECQL4-related disease. This variant is not present in population databases (ExAC no frequency).